The following is an entry in ClinVar:

NM_001267550.2(TTN):c.52847G>A (p.Trp17616Ter)

Genes: TTN (titin; minus strand), TTN-AS1 (TTN antisense RNA 1; plus strand), LOC126806425 (BRD4-independent group 4 enhancer GRCh37_chr2:179471933-179473132; plus strand). Cytogenetic location: 2q31.2.
Variant type: single nucleotide variant.
Coding change: c.52847G>A on transcript NM_001267550.2 (MANE Select); coding-DNA position 52847, G replaced by A.
Protein change: p.Trp17616Ter; replaces tryptophan 17616 with a stop codon.
Molecular consequence: nonsense.
Genome position (GRCh38, 1-based): chr2:178,607,940, C>T on the plus strand (G>A on the coding strand, the complement: TTN is on the minus strand). VCF-style: chr2-178607940-C-T. GRCh37 (hg19) VCF-style: chr2-179472667-C-T.
Other names: c.47924G>A, p.Trp15975Ter (NM_001256850.1); c.25652G>A, p.Trp8551Ter (NM_003319.4); c.45143G>A, p.Trp15048Ter (NM_133378.4); c.26027G>A, p.Trp8676Ter (NM_133432.3); c.26228G>A, p.Trp8743Ter (NM_133437.4); short protein forms W15975*, W8676*, W17616*, W15048*, W8551*, W8743*.
Identifiers: ClinVar variation 1522493 (VCV001522493.10), dbSNP rs2055319182, ClinGen allele CA349570333.
Genomic context (GRCh38, chr2:178,607,940, plus strand): 5'-TCTCGGATTTCTTTGACGGTGTACTGACGGACCTTGATCATCTTCTCTGTGCAGCGTGAC[C>T]ATTCATTTGTGCCAACCAACTGCTTATCAACAAAATAGCCAACAATTTCCCCACCACCAT-3'

ClinVar aggregate classification (germline): Likely pathogenic. Review status: criteria provided, multiple submitters, no conflicts (2 of 4 stars). 2 submissions from 2 submitters: Likely pathogenic (2). Last evaluated 2025-07-07.

Conditions:
Dilated cardiomyopathy 1G (CMD1G). Identifiers: Orphanet 154, MedGen C1858763, MONDO:0011400, OMIM 604145.
Autosomal recessive limb-girdle muscular dystrophy type 2J (LGMDR10). Also called: Limb-girdle muscular dystrophy, type 2J; MUSCULAR DYSTROPHY, LIMB-GIRDLE, AUTOSOMAL RECESSIVE 10. Identifiers: Orphanet 140922, MedGen C1837342, MONDO:0012127, OMIM 608807.
Cardiovascular phenotype. Identifiers: MedGen CN230736.

Submissions (2):

Ambry Genetics
Classification: Likely pathogenic for Cardiovascular phenotype. Last evaluated: 2025-07-07. Review status: criteria provided, single submitter. Criteria: Ambry Variant Classification Scheme 2023. Collection method: clinical testing. Allele origin: germline.
Comment: The p.W8551* variant (also known as c.25652G>A), located in coding exon 103 of the TTN gene, results from a G to A substitution at nucleotide position 25652. This changes the amino acid from a tryptophan to a stop codon within coding exon 103. This exon is located in the A-band region of the N2-B isoform of the titin protein and is constitutively expressed in TTN transcripts (percent spliced in or PSI 100%). This variant is considered to be rare based on population cohorts in the Genome Aggregation Database (gnomAD). This variant is expected to result in loss of function by premature protein truncation or nonsense-mediated mRNA decay. While truncating variants in TTN are present in 1-3% of the general population, truncating variants in the A-band are the most common cause of dilated cardiomyopathy (Herman DS et al. N. Engl. J. Med., 2012 Feb;366:619-28; Roberts AM et al. Sci Transl Med, 2015 Jan;7:270ra6). TTN truncating variants encoded in constitutive exons (PSI >90%) have been found to be significantly associated with DCM regardless of their position in titin (Schafer S et al. Nat. Genet., 2017 01;49:46-53; Akhtar MM et al. Circ Heart Fail, 2020 Oct;13:e006832; Massier M et al. Clin Genet, 2025 Jan). Based on the majority of available evidence to date, this variant is likely to be pathogenic.

Labcorp Genetics (formerly Invitae), Labcorp
Classification: Likely pathogenic for Dilated cardiomyopathy 1G; Autosomal recessive limb-girdle muscular dystrophy type 2J. Last evaluated: 2020-11-28. Review status: criteria provided, single submitter. Criteria: Invitae Variant Classification Sherloc (09022015). Collection method: clinical testing. Allele origin: germline.
Comment: This sequence change creates a premature translational stop signal (p.Trp17616*) in the TTN gene. While this is not anticipated to result in nonsense mediated decay, it is expected create a truncated TTN protein. This variant is not present in population databases (ExAC no frequency). This variant has not been reported in the literature in individuals with TTN-related conditions. This variant is located in the A band of TTN (PMID: 25589632). Truncating variants in this region are significantly overrepresented in patients affected with dilated cardiomyopathy (PMID: 25589632). Truncating variants in this region have also been reported in individuals affected with autosomal recessive centronuclear myopathy (PMID: 23975875). In summary, the currently available evidence indicates that the variant is pathogenic, but additional data are needed to prove that conclusively. Therefore, this variant has been classified as Likely Pathogenic.

Literature cited by the submitters: PubMed 25589632 (cited by Labcorp Genetics (formerly Invitae), Labcorp); PubMed 23975875 (cited by Labcorp Genetics (formerly Invitae), Labcorp).